The following is an entry in ClinVar:

ClinVar aggregate classification (germline): Uncertain significance (1 of 4 stars; one submission).

Allele frequency attached by ClinVar (database versions not stated): gnomAD exomes 0.00004; ExAC 0.00006; ESP Exome Variant Server 0.00008; 1000 Genomes Project 30x 0.00016; 1000 Genomes Project 0.00020.
gnomAD v4.1: 55 of 1,613,864 alleles (0.0034%); highest among the groups gnomAD compares: Admixed American, 0.022%; no homozygotes.

Submission:

Labcorp Genetics (formerly Invitae), Labcorp
Classification: Uncertain significance. Last evaluated: 2022-09-12. Review status: criteria provided, single submitter. Criteria: Invitae Variant Classification Sherloc (09022015). Collection method: clinical testing. Allele origin: germline.
Comment: This sequence change replaces arginine, which is basic and polar, with cysteine, which is neutral and slightly polar, at codon 698 of the EIF2B5 protein (p.Arg698Cys). This variant is present in population databases (rs374599117, gnomAD 0.04%). This variant has not been reported in the literature in individuals affected with EIF2B5-related conditions. Algorithms developed to predict the effect of missense changes on protein structure and function (SIFT, PolyPhen-2, Align-GVGD) all suggest that this variant is likely to be disruptive. In summary, the available evidence is currently insufficient to determine the role of this variant in disease. Therefore, it has been classified as a Variant of Uncertain Significance.

NM_003907.3(EIF2B5):c.2092C>T (p.Arg698Cys)

Gene: EIF2B5 (eukaryotic translation initiation factor 2B subunit epsilon; plus strand). Cytogenetic location: 3q27.1.
Variant type: single nucleotide variant.
Coding change: c.2092C>T on transcript NM_003907.3 (MANE Select); coding-DNA position 2092, C replaced by T.
Protein change: p.Arg698Cys; replaces arginine 698 with cysteine.
Molecular consequence: missense variant.
Genome position (GRCh38, 1-based): chr3:184,144,693, C>T. VCF-style: chr3-184144693-C-T. GRCh37 (hg19) VCF-style: chr3-183862481-C-T.
Other names: short protein forms R698C.
Identifiers: ClinVar variation 2146455 (VCV002146455.1), dbSNP rs374599117, ClinGen allele CA2726885.